The following is an entry in ClinVar:

NM_000270.4(PNP):c.60C>T (p.His20=)

Gene: PNP (purine nucleoside phosphorylase; plus strand). Cytogenetic location: 14q11.2.
Variant type: single nucleotide variant.
Coding change: c.60C>T on transcript NM_000270.4 (MANE Select); coding-DNA position 60, C replaced by T.
Protein change: p.His20=; no amino-acid change (histidine 20 retained).
Molecular consequence: synonymous variant.
Genome position (GRCh38, 1-based): chr14:20,472,356, C>T. VCF-style: chr14-20472356-C-T. GRCh37 (hg19) VCF-style: chr14-20940515-C-T.
Other names: p.H20H:CAC>CAT; p.His20=.
Identifiers: ClinVar variation 138729 (VCV000138729.24), dbSNP rs1049562, ClinGen allele CA292807.

ClinVar aggregate classification (germline): Benign. Review status: criteria provided, multiple submitters, no conflicts (2 of 4 stars). 10 submissions from 10 submitters: Benign (8). 2 of the submissions do not count toward it. Last evaluated 2026-02-04.

Conditions:
Purine-nucleoside phosphorylase deficiency. Also called: Immunodeficiency due to purine nucleoside phosphorylase deficiency; NUCLEOSIDE PHOSPHORYLASE DEFICIENCY. Identifiers: Orphanet 760, MedGen C0268125, MONDO:0013171, OMIM 613179.

Allele frequency attached by ClinVar (database versions not stated): gnomAD exomes 0.16268; ExAC 0.16640; 1000 Genomes Project 0.17212; 1000 Genomes Project 30x 0.17239; gnomAD 0.17822 and 0.17967; TOPMed 0.18011; ESP Exome Variant Server 0.18122.
gnomAD v4.1: 275,878 of 1,612,038 alleles (17%); highest among the groups gnomAD compares: African/African-American, 22%; 24,374 homozygotes.

Submissions (10):

Labcorp Genetics (formerly Invitae), Labcorp
Classification: Benign for Purine-nucleoside phosphorylase deficiency. Last evaluated: 2026-02-04. Review status: criteria provided, single submitter. Criteria: Invitae Variant Classification Sherloc (09022015). Collection method: clinical testing. Allele origin: germline.

Unidad de Genómica Garrahan, Hospital de Pediatría Garrahan
Classification: Benign. Last evaluated: 2024-01-24. Review status: criteria provided, single submitter. Criteria: ACMG Guidelines, 2015. Collection method: clinical testing. Allele origin: germline. Affected: no. Observed: 28 variant alleles.
Comment: This variant is classified as Benign based on local population frequency. This variant was detected in 29% of patients studied by a panel of primary immunodeficiencies. Number of patients: 28. Only high quality variants are reported.

Mayo Clinic Laboratories, Mayo Clinic
Classification: Benign. Last evaluated: 2022-03-24. Review status: criteria provided, single submitter. Criteria: ACMG Guidelines, 2015. Collection method: clinical testing. Allele origin: germline. Observed: 123 variant alleles.

Genome-Nilou Lab
Classification: Benign for Purine-nucleoside phosphorylase deficiency. Last evaluated: 2021-10-25. Review status: criteria provided, single submitter. Criteria: ACMG Guidelines, 2015. Collection method: clinical testing. Allele origin: germline. Affected: no.

Illumina Laboratory Services, Illumina
Classification: Benign for Purine-nucleoside phosphorylase deficiency. Last evaluated: 2018-01-12. Review status: criteria provided, single submitter. Criteria: ICSL Variant Classification Criteria 13 December 2019. Collection method: clinical testing. Allele origin: germline.
Comment: This variant was observed in the ICSL laboratory as part of a predisposition screen in an ostensibly healthy population. It had not been previously curated by ICSL or reported in the Human Gene Mutation Database (HGMD: prior to June 1st, 2018), and was therefore a candidate for classification through an automated scoring system. Utilizing variant allele frequency, disease prevalence and penetrance estimates, and inheritance mode, an automated score was calculated to assess if this variant is too frequent to cause the disease. Based on the score and internal cut-off values, a variant classified as benign is not then subjected to further curation. The score for this variant resulted in a classification of benign for this disease.

Laboratory for Molecular Medicine, Mass General Brigham Personalized Medicine
Classification: Benign. Last evaluated: 2016-03-28. Review status: criteria provided, single submitter. Criteria: LMM Criteria. Collection method: clinical testing. Allele origin: germline.
Comment: Variant identified in a genome or exome case(s) and assessed due to predicted null impact of the variant or pathogenic assertions in the literature or databases. Disclaimer: This variant has not undergone full assessment. The following are preliminary notes: Frequency

GeneDx
Classification: Benign. Last evaluated: 2013-01-07. Review status: criteria provided, single submitter. Criteria: GeneDx Variant Classification (06012015). Collection method: clinical testing. Allele origin: germline. Affected: yes.
Comment: This variant is considered likely benign or benign based on one or more of the following criteria: it is a conservative change, it occurs at a poorly conserved position in the protein, it is predicted to be benign by multiple in silico algorithms, and/or has population frequency not consistent with disease.

Breakthrough Genomics
Classification: Benign. Review status: criteria provided, single submitter. Criteria: ACMG Guidelines, 2015. Collection method: not provided. Allele origin: germline. Inheritance: Autosomal recessive inheritance. Affected: yes.

Clinical Genetics, Academic Medical Center
Classification: Benign. Review status: no assertion criteria provided. Collection method: clinical testing. Allele origin: germline. Affected: yes. Study: VKGL Data-share Consensus. Not counted in ClinVar's aggregate classification.

Diagnostic Laboratory, Department of Genetics, University Medical Center Groningen
Classification: Benign for Purine-nucleoside phosphorylase deficiency. Review status: no assertion criteria provided. Collection method: clinical testing. Allele origin: germline. Affected: yes. Study: VKGL Data-share Consensus. Not counted in ClinVar's aggregate classification.